The following is an entry in ClinVar:

ClinVar aggregate classification (germline): Uncertain significance (1 of 4 stars; one submission).

Allele frequency attached by ClinVar (database versions not stated): gnomAD exomes below 0.00001.
gnomAD v4.1: 1 of 1,613,504 alleles (0.000062%); highest among the groups gnomAD compares: East Asian, 0.0022%; no homozygotes.

Submission:

GeneDx
Classification: Uncertain significance. Last evaluated: 2021-12-30. Review status: criteria provided, single submitter. Criteria: GeneDx Variant Classification Process June 2021. Collection method: clinical testing. Allele origin: germline. Affected: yes.
Comment: Not observed at significant frequency in large population cohorts (gnomAD); In silico analysis supports that this variant does not alter splicing; Has not been previously published as pathogenic or benign to our knowledge

NM_002473.6(MYH9):c.5805C>T (p.Ala1935=)

Gene: MYH9 (myosin heavy chain 9; minus strand). Cytogenetic location: 22q12.3.
Variant type: single nucleotide variant.
Coding change: c.5805C>T on transcript NM_002473.6 (MANE Select); coding-DNA position 5805, C replaced by T.
Protein change: p.Ala1935=; no amino-acid change (alanine 1935 retained).
Molecular consequence: synonymous variant.
Genome position (GRCh38, 1-based): chr22:36,282,746, G>A on the plus strand (C>T on the coding strand, the complement: MYH9 is on the minus strand). VCF-style: chr22-36282746-G-A. GRCh37 (hg19) VCF-style: chr22-36678792-G-A.
Identifiers: ClinVar variation 1693407 (VCV001693407.2), dbSNP rs2146325441, ClinGen allele CA514351319.